The following is an entry in ClinVar:

NM_001112726.3(CEP170B):c.439A>C (p.Arg147=)

Gene: CEP170B (centrosomal protein 170B; plus strand). Cytogenetic location: 14q32.33.
Variant type: single nucleotide variant.
Coding change: c.439A>C on transcript NM_001112726.3 (MANE Select); coding-DNA position 439, A replaced by C.
Protein change: p.Arg147=; no amino-acid change (arginine 147 retained).
Molecular consequence: synonymous variant.
Genome position (GRCh38, 1-based): chr14:104,880,392, A>C. VCF-style: chr14-104880392-A-C. GRCh37 (hg19) VCF-style: chr14-105346729-A-C.
Other names: c.229A>C, p.Arg77= (NM_015005.3).
Identifiers: ClinVar variation 787955 (VCV000787955.6), dbSNP rs112026036, ClinGen allele CA7375277.

ClinVar aggregate classification (germline): Benign. Review status: criteria provided, multiple submitters, no conflicts (2 of 4 stars). 3 submissions from 3 submitters: Benign (2). 1 of the submissions does not count toward it. Last evaluated 2017-08-03.

Conditions:
CEP170B-related disorder. Also called: CEP170B-related condition.

Allele frequency attached by ClinVar (database versions not stated): gnomAD exomes 0.00074 and 0.00142; ExAC 0.00180; gnomAD 0.00546 and 0.00587; ESP Exome Variant Server 0.00566; TOPMed 0.00648; 1000 Genomes Project 0.00779; 1000 Genomes Project 30x 0.00843.
gnomAD v4.1: 2,006 of 1,612,588 alleles (0.12%); highest among the groups gnomAD compares: African/African-American, 2%; 24 homozygotes.

Submissions (3):

Labcorp Genetics (formerly Invitae), Labcorp
Classification: Benign. Last evaluated: 2017-08-03. Review status: criteria provided, single submitter. Criteria: Invitae Variant Classification Sherloc (09022015). Collection method: clinical testing. Allele origin: germline.

Breakthrough Genomics
Classification: Benign. Review status: criteria provided, single submitter. Criteria: ACMG Guidelines, 2015. Collection method: not provided. Allele origin: germline. Inheritance: Unknown mechanism. Affected: yes.

PreventionGenetics, part of Exact Sciences
Classification: Likely benign for CEP170B-related condition. Last evaluated: 2019-02-21. Review status: no assertion criteria provided. Collection method: clinical testing. Allele origin: germline. Not counted in ClinVar's aggregate classification.
Comment: This variant is classified as likely benign based on ACMG/AMP sequence variant interpretation guidelines (Richards et al. 2015 PMID: 25741868, with internal and published modifications).